The following is an entry in ClinVar:

ClinVar aggregate classification (germline): Uncertain significance (0 of 4 stars; one submission).

Conditions:
CMPK2-related disorder. Also called: CMPK2-related condition.

gnomAD v4.1: 2 of 1,276,888 alleles (0.00016%); highest among the groups gnomAD compares: East Asian, 0.0065%; no homozygotes.

Submission:

PreventionGenetics, part of Exact Sciences
Classification: Uncertain significance for CMPK2-related condition. Last evaluated: 2024-06-08. Review status: no assertion criteria provided. Collection method: clinical testing. Allele origin: germline.
Comment: The CMPK2 c.227G>A variant is predicted to result in the amino acid substitution p.Cys76Tyr. To our knowledge, this variant has not been reported in the literature or in a large population database, indicating this variant is rare. At this time, the clinical significance of this variant is uncertain due to the absence of conclusive functional and genetic evidence.

NM_207315.4(CMPK2):c.227G>A (p.Cys76Tyr)

Genes: CMPK2 (cytidine/uridine monophosphate kinase 2; minus strand), LOC129933018 (ATAC-STARR-seq lymphoblastoid silent region 11120; plus strand). Cytogenetic location: 2p25.2.
Variant type: single nucleotide variant.
Coding change: c.227G>A on transcript NM_207315.4 (MANE Select); coding-DNA position 227, G replaced by A.
Protein change: p.Cys76Tyr; replaces cysteine 76 with tyrosine.
Molecular consequence: missense variant.
Genome position (GRCh38, 1-based): chr2:6,865,470, C>T on the plus strand (G>A on the coding strand, the complement: CMPK2 is on the minus strand). VCF-style: chr2-6865470-C-T. GRCh37 (hg19) VCF-style: chr2-7005601-C-T.
Other names: c.227G>A, p.Cys76Tyr (NM_001256477.1, NM_001256478.1); short protein forms C76Y.
Identifiers: ClinVar variation 3348442 (VCV003348442.1).